The following is an entry in ClinVar:

NM_000548.5(TSC2):c.3516C>T (p.Gly1172=)

Gene: TSC2 (TSC complex subunit 2; plus strand). Cytogenetic location: 16p13.3.
Variant type: single nucleotide variant.
Coding change: c.3516C>T on transcript NM_000548.5 (MANE Select); coding-DNA position 3516, C replaced by T.
Protein change: p.Gly1172=; no amino-acid change (glycine 1172 retained).
Molecular consequence: synonymous variant.
Genome position (GRCh38, 1-based): chr16:2,080,283, C>T. VCF-style: chr16-2080283-C-T. GRCh37 (hg19) VCF-style: chr16-2130284-C-T.
Other names: c.3384C>T, p.Gly1128= (NM_001077183.3, NM_001370404.1); c.3516C>T, p.Gly1172= (NM_001114382.3); c.3276C>T, p.Gly1092= (NM_001318827.2); c.3240C>T, p.Gly1080= (NM_001318829.2); c.2784C>T, p.Gly928= (NM_001318831.2); c.3417C>T, p.Gly1139= (NM_001318832.2); c.3387C>T, p.Gly1129= (NM_001363528.2, NM_001370405.1, NM_021055.3).
Identifiers: ClinVar variation 486662 (VCV000486662.15), dbSNP rs1555511474, ClinGen allele CA493043003.
Genomic context (GRCh38, chr16:2,080,283, plus strand): 5'-TGCCACTTCTCCAGGACCACGGACTGCACCAGCCGCGAAACCTGAGAAGGCCTCAGCTGG[C>T]ACCCGGGTTCCTGTGCAGGAGAAGACGAACCTGGCGGCCTATGTGCCCCTGCTGACCCAG-3'
Protein context (NP_000539.2, residues 1162-1182): PAAKPEKASA[Gly1172=]TRVPVQEKTN

ClinVar aggregate classification (germline): Benign/Likely benign. Review status: criteria provided, multiple submitters, no conflicts (2 of 4 stars). 4 submissions from 4 submitters: Benign (1); Likely benign (3). Last evaluated 2025-05-29.

Conditions:
Tuberous sclerosis syndrome (TSC). Also called: Tuberous Sclerosis Complex; Tuberous sclerosis. Identifiers: Orphanet 805, MedGen C0041341, MONDO:0001734.
Hereditary cancer-predisposing syndrome. Also called: Tumor predisposition; Neoplastic Syndromes, Hereditary; Hereditary Cancer Syndrome; Hereditary neoplastic syndrome. Identifiers: Orphanet 140162, MedGen C0027672, MeSH D009386, MONDO:0015356.
Tuberous sclerosis 2 (TSC2). Identifiers: Orphanet 805, MedGen C1860707, MONDO:0013199, OMIM 613254.

Allele frequency attached by ClinVar (database versions not stated): gnomAD exomes below 0.00001.

Submissions (4):

Myriad Genetics, Inc.
Classification: Benign for Tuberous sclerosis 2. Last evaluated: 2025-05-29. Review status: criteria provided, single submitter. Criteria: Myriad Autosomal Dominant, Autosomal Recessive and X-Linked Classification Criteria (2023). Collection method: clinical testing. Allele origin: unknown.
Comment: This variant is considered benign. This variant is a silent/synonymous amino acid change and it is not expected to impact splicing.

Labcorp Genetics (formerly Invitae), Labcorp
Classification: Likely benign for Tuberous sclerosis 2. Last evaluated: 2024-03-11. Review status: criteria provided, single submitter. Criteria: Invitae Variant Classification Sherloc (09022015). Collection method: clinical testing. Allele origin: germline.

All of Us Research Program, National Institutes of Health
Classification: Likely benign for Tuberous sclerosis syndrome. Last evaluated: 2023-04-03. Review status: criteria provided, single submitter. Criteria: ACMG Guidelines, 2015. Collection method: clinical testing. Allele origin: germline. Inheritance: Autosomal dominant inheritance. Observed: 1 variant allele, 1 heterozygote.
Comment: This study involves interpretation of variants in research participants for the purpose of population health screening. Participant phenotype was not available at the time of variant classification. Additional details can be found in publication PMID: 35346344, PMCID: PMC8962531

Ambry Genetics
Classification: Likely benign for Hereditary cancer-predisposing syndrome. Last evaluated: 2016-05-24. Review status: criteria provided, single submitter. Criteria: Ambry Variant Classification Scheme 2023. Collection method: clinical testing. Allele origin: germline.